The following is an entry in ClinVar:

ClinVar aggregate classification (germline): Conflicting classifications of pathogenicity. Review status: criteria provided, conflicting classifications (1 of 4 stars). 4 submissions from 3 submitters: Uncertain significance (3); Benign (1). Last evaluated 2018-01-13.

Conditions:
Maturity-onset diabetes of the young (MODY). Also called: Maturity onset diabetes mellitus in young. Identifiers: Orphanet 552, MedGen C0342276, MONDO:0018911, HP:0004904.
Maturity-onset diabetes of the young type 1. Also called: MODY type 1; Diabetes mellitus MODY type 1; MODY HNF4A related; MILD JUVENILE DIABETES MELLITUS; HNF4A-Related Maturity-Onset Diabetes of the Young Type 1; MODY, type I. Identifiers: Orphanet 552, MedGen C1852093, MONDO:0007452, OMIM 125850. Disease mechanism: loss of function.
Familial hyperinsulinism. Also called: Congenital hyperinsulinism. Identifiers: Orphanet 276525, MedGen C3888018, MONDO:0017182. Disease mechanism: loss of function.

Allele frequency attached by ClinVar (database versions not stated): gnomAD 0.00102 and 0.00103; TOPMed 0.00104.

Submissions (4):

Illumina Laboratory Services, Illumina
Classification: Uncertain significance for Familial hyperinsulinism. Last evaluated: 2018-01-13. Review status: criteria provided, single submitter. Criteria: ICSL Variant Classification Criteria 13 December 2019. Collection method: clinical testing. Allele origin: germline.

Illumina Laboratory Services, Illumina
Classification: Uncertain significance for Maturity-onset diabetes of the young type 1. Last evaluated: 2018-01-13. Review status: criteria provided, single submitter. Criteria: ICSL Variant Classification Criteria 13 December 2019. Collection method: clinical testing. Allele origin: germline.

Breakthrough Genomics
Classification: Uncertain significance. Review status: criteria provided, single submitter. Criteria: ACMG Guidelines, 2015. Collection method: not provided. Allele origin: germline. Inheritance: Autosomal dominant inheritance. Affected: yes.

Clinical Genomics, Uppaluri K&H Personalized Medicine Clinic
Classification: Benign for Maturity-onset diabetes of the young. Review status: criteria provided, single submitter. Criteria: K & H Uppaluri Personalized Medicine Clinic Variant Classification & Assertion Criteria_Updated V.1. Collection method: research. Allele origin: unknown. Inheritance: Autosomal dominant inheritance.
Comment: Potent mutations in HNF4A are associated with poor insulin secretion in response to hyperglycemia. Associated with MODY1. Patients initially respond well to sulfonylureas but eventually become insulin dependent. However, more evidence is required to ascertain the role of this particular variant rs767537996 in MODY, yet.

Literature cited by the submitters: DOI 10.1159/000334532 (cited by Clinical Genomics, Uppaluri K&H Personalized Medicine Clinic); PubMed 18268044 (cited by Clinical Genomics, Uppaluri K&H Personalized Medicine Clinic); PubMed 17563455 (cited by Clinical Genomics, Uppaluri K&H Personalized Medicine Clinic); PubMed 32583173 (cited by Clinical Genomics, Uppaluri K&H Personalized Medicine Clinic); PubMed 35052457 (cited by Clinical Genomics, Uppaluri K&H Personalized Medicine Clinic); PubMed 35118593 (cited by Clinical Genomics, Uppaluri K&H Personalized Medicine Clinic).

NM_175914.5(HNF4A):c.*1013G>A

Gene: HNF4A (hepatocyte nuclear factor 4 alpha; plus strand). Cytogenetic location: 20q13.12.
Variant type: single nucleotide variant.
Coding change: c.*1013G>A on transcript NM_175914.5 (MANE Select); 1013 bases downstream of the stop codon, G replaced by A.
Molecular consequence: 3 prime UTR variant.
Genome position (GRCh38, 1-based): chr20:44,430,678, G>A. VCF-style: chr20-44430678-G-A. GRCh37 (hg19) VCF-style: chr20-43059318-G-A.
Other names: c.*1013G>A (NM_000457.6, NM_001030003.3, NM_001258355.2 and 3 more transcripts).
Identifiers: ClinVar variation 895405 (VCV000895405.6), dbSNP rs767537996, ClinGen allele CA315421597.